The following is an entry in ClinVar:

ClinVar aggregate classification (germline): Uncertain significance (1 of 4 stars; one submission).

Conditions:
Developmental and epileptic encephalopathy, 32 (DEE32). Also called: Epileptic encephalopathy, early infantile, 32. Identifiers: Orphanet 442835, MedGen C4225350, MONDO:0014607, OMIM 616366.

Allele frequency attached by ClinVar (database versions not stated): TOPMed 0.00001.
gnomAD v4.1: 5 of 1,614,188 alleles (0.00031%); highest among the groups gnomAD compares: South Asian, 0.0055%; no homozygotes.

Submission:

Labcorp Genetics (formerly Invitae), Labcorp
Classification: Uncertain significance for Developmental and epileptic encephalopathy, 32. Last evaluated: 2023-10-07. Review status: criteria provided, single submitter. Criteria: Invitae Variant Classification Sherloc (09022015). Collection method: clinical testing. Allele origin: germline.
Comment: This sequence change replaces threonine, which is neutral and polar, with serine, which is neutral and polar, at codon 204 of the KCNA2 protein (p.Thr204Ser). This variant is present in population databases (no rsID available, gnomAD 0.003%). This variant has not been reported in the literature in individuals affected with KCNA2-related conditions. Advanced modeling of protein sequence and biophysical properties (such as structural, functional, and spatial information, amino acid conservation, physicochemical variation, residue mobility, and thermodynamic stability) performed at Invitae indicates that this missense variant is not expected to disrupt KCNA2 protein function. In summary, the available evidence is currently insufficient to determine the role of this variant in disease. Therefore, it has been classified as a Variant of Uncertain Significance.

NM_004974.4(KCNA2):c.611C>G (p.Thr204Ser)

Gene: KCNA2 (potassium voltage-gated channel subfamily A member 2; minus strand). Cytogenetic location: 1p13.3.
Variant type: single nucleotide variant.
Coding change: c.611C>G on transcript NM_004974.4 (MANE Select); coding-DNA position 611, C replaced by G.
Protein change: p.Thr204Ser; replaces threonine 204 with serine.
Molecular consequence: missense variant.
Genome position (GRCh38, 1-based): chr1:110,604,172, G>C on the plus strand (C>G on the coding strand, the complement: KCNA2 is on the minus strand). VCF-style: chr1-110604172-G-C. GRCh37 (hg19) VCF-style: chr1-111146794-G-C.
Other names: c.611C>G, p.Thr204Ser (NM_001204269.2); short protein forms T204S.
Identifiers: ClinVar variation 2848836 (VCV002848836.3), dbSNP rs1421276694, ClinGen allele CA341603608.
Genomic context (GRCh38, chr1:110,604,172, plus strand): 5'-ATGAAGAAAGGGTCTGTGAAGGAAGTGGACTGCTGGTACCCGATGGTGCTGTTGGAATAG[G>C]TGTGGAAGGTCACCCCACTACCATGCATGTCTTCATTCTCATCCCGGAAGATGGGCAATG-3'
Protein context (NP_004965.1, residues 194-214): DMHGSGVTFH[Thr204Ser]YSNSTIGYQQ